The following is an entry in ClinVar:

ClinVar aggregate classification (germline): Benign. Review status: reviewed by expert panel (3 of 4 stars). 20 submissions from 19 submitters: Benign (1). 19 of the submissions do not count toward it. Last evaluated 2023-02-18.

Conditions:
Desmoid disease, hereditary (DESMD). Also called: FIBROMATOSIS, FAMILIAL INFILTRATIVE. Identifiers: Orphanet 873, MedGen C1851124, OMIM 135290. Disease mechanism: loss of function.
Colorectal cancer. Also called: Colorectal cancer, somatic; Malignant Colorectal Neoplasm. Identifiers: MedGen C0346629, MONDO:0005575, OMIM 114500.
Gastric cancer. Also called: Stomach cancer; Malignant tumor of stomach. Identifiers: MedGen C0024623, MeSH D013274, MONDO:0001056, OMIM 613659, HP:0012126.
Hepatocellular carcinoma (HCC). Also called: Primary carcinoma of liver; HEPATOMA; LIVER CELL CARCINOMA. Identifiers: Orphanet 88673, MedGen C2239176, MONDO:0007256, OMIM 114550, HP:0001402.
Familial adenomatous polyposis 1 (FAP1). Also called: FAMILIAL ADENOMATOUS POLYPOSIS 1, ATTENUATED; POLYPOSIS, ADENOMATOUS INTESTINAL. Identifiers: MedGen C2713442, MONDO:0021056, OMIM 175100. Disease mechanism: loss of function.
Gastric adenocarcinoma and proximal polyposis of the stomach (GAPPS). Also called: POLYPOSIS, GASTRIC; Gastric Adenocarcinoma and Proximal Polyposis of the Stomach (GAPPS); Polyposis, gastric, Dos Santos and de Magalhaes 1980. Identifiers: Orphanet 314022, MedGen C4749917, MONDO:0017790, OMIM 619182.
APC-related disorder. Also called: APC-related condition.
Hereditary cancer-predisposing syndrome. Also called: Tumor predisposition; Neoplastic Syndromes, Hereditary; Hereditary neoplastic syndrome; Hereditary Cancer Syndrome. Identifiers: Orphanet 140162, MedGen C0027672, MeSH D009386, MONDO:0015356.

Submissions (20):

ClinGen InSiGHT Hereditary Colorectal Cancer/Polyposis Variant Curation Expert Panel
Classification: Benign for Familial adenomatous polyposis 1. Last evaluated: 2023-02-18. Review status: reviewed by expert panel. Criteria: ClinGen InSiGHT HCCP VCEP ACMG Specifications APC V1. Collection method: curation. Allele origin: germline. Inheritance: Autosomal dominant inheritance.
Comment: The c.423-4del variant in APC is an intronic variant which results in the deletion of adenine at position -4 of intron 4. The highest allele frequency is 5.48% in gnomAD v3.1.2, which is higher than the ClinGen InSiGHT Hereditary Colorectal Cancer/Polyposis Variant Curation Expert Panel (HCCP VCEP) threshold for BA1 (0.1%). RNA assays showed no splicing mutation, indicating that this variant does not impact protein function (BS3_Supporting; PMID22447671). Finally, the results from more than or equal to 2 in silico splicing predictors support that this variant does not affect splicing (BP4). In summary, this variant meets the criteria to be classified as Benign for FAP based on the ACMG/AMP criteria applied, as specified by the HCCP VCEP: BA1, BS3_Supporting, BP4. (VCEP specifications version 1; date of approval: 12/12/2022).

Labcorp Genetics (formerly Invitae), Labcorp
Classification: Benign for Familial adenomatous polyposis 1. Last evaluated: 2026-01-27. Review status: criteria provided, single submitter. Criteria: Invitae Variant Classification Sherloc (09022015). Collection method: clinical testing. Allele origin: germline. Not counted in ClinVar's aggregate classification.

Center for Genomic Medicine, Rigshospitalet, Copenhagen University Hospital
Classification: Likely benign. Last evaluated: 2025-03-04. Review status: criteria provided, single submitter. Criteria: ACMG Guidelines, 2015. Collection method: clinical testing. Allele origin: germline. Not counted in ClinVar's aggregate classification.

Blueprint Genetics
Classification: Likely benign. Last evaluated: 2024-11-26. Review status: criteria provided, single submitter. Criteria: ACMG Guidelines, 2015. Collection method: clinical testing. Allele origin: germline. Not counted in ClinVar's aggregate classification.

Myriad Genetics, Inc.
Classification: Benign for Familial adenomatous polyposis 1. Last evaluated: 2024-02-23. Review status: criteria provided, single submitter. Criteria: Myriad Autosomal Dominant, Autosomal Recessive and X-Linked Classification Criteria (2023). Collection method: clinical testing. Allele origin: unknown. Not counted in ClinVar's aggregate classification.
Comment: This variant is considered benign. This variant is intronic and is not expected to impact mRNA splicing.

Fulgent Genetics
Classification: Likely benign for Colorectal cancer; Hepatocellular carcinoma; Desmoid disease, hereditary; Familial adenomatous polyposis 1; Gastric cancer; Gastric adenocarcinoma and proximal polyposis of the stomach. Last evaluated: 2022-01-13. Review status: criteria provided, single submitter. Criteria: ACMG Guidelines, 2015. Collection method: clinical testing. Allele origin: unknown. Not counted in ClinVar's aggregate classification.

Institute for Clinical Genetics, University Hospital TU Dresden, University Hospital TU Dresden
Classification: Benign. Last evaluated: 2021-11-03. Review status: criteria provided, single submitter. Criteria: ACMG Guidelines, 2015. Collection method: clinical testing. Allele origin: germline. Not counted in ClinVar's aggregate classification.

Ambry Genetics
Classification: Benign for Hereditary cancer-predisposing syndrome. Last evaluated: 2020-07-07. Review status: criteria provided, single submitter. Criteria: Ambry Variant Classification Scheme 2023. Collection method: clinical testing. Allele origin: germline. Not counted in ClinVar's aggregate classification.

Sema4
Classification: Benign for Hereditary cancer-predisposing syndrome. Last evaluated: 2020-01-30. Review status: criteria provided, single submitter. Criteria: Sema4 Curation Guidelines. Collection method: curation. Allele origin: germline. Not counted in ClinVar's aggregate classification.

Color Diagnostics, LLC DBA Color Health
Classification: Benign for Hereditary cancer-predisposing syndrome. Last evaluated: 2016-03-18. Review status: criteria provided, single submitter. Criteria: ACMG Guidelines, 2015. Collection method: clinical testing. Allele origin: germline. Not counted in ClinVar's aggregate classification.

GeneDx
Classification: Benign for Neoplastic Syndromes, Hereditary. Last evaluated: 2014-03-27. Review status: criteria provided, single submitter. Criteria: GeneDx Variant Classification (06012015). Collection method: clinical testing. Allele origin: germline. Affected: yes. Not counted in ClinVar's aggregate classification.
Comment: The variant is found in COLO-HEREDIC panel(s).

PreventionGenetics, part of Exact Sciences
Classification: Benign for APC-related condition. Last evaluated: 2023-11-07. Review status: no assertion criteria provided. Collection method: clinical testing. Allele origin: germline. Not counted in ClinVar's aggregate classification.
Comment: This variant is classified as benign based on ACMG/AMP sequence variant interpretation guidelines (Richards et al. 2015 PMID: 25741868, with internal and published modifications).

Clinical Genetics, Academic Medical Center
Classification: Benign. Review status: no assertion criteria provided. Collection method: clinical testing. Allele origin: germline. Affected: yes. Study: VKGL Data-share Consensus. Not counted in ClinVar's aggregate classification.

Department of Pathology and Laboratory Medicine, Sinai Health System
Classification: Uncertain significance. Review status: no assertion criteria provided. Collection method: clinical testing. Allele origin: unknown. Affected: yes. Study: The Canadian Open Genetics Repository (COGR). Not counted in ClinVar's aggregate classification.

Diagnostic Laboratory, Department of Genetics, University Medical Center Groningen
Classification: Likely benign. Review status: no assertion criteria provided. Collection method: clinical testing. Allele origin: germline. Affected: yes. Study: VKGL Data-share Consensus. Not counted in ClinVar's aggregate classification.

Genome Diagnostics Laboratory, Amsterdam University Medical Center
Classification: Likely benign. Review status: no assertion criteria provided. Collection method: clinical testing. Allele origin: germline. Affected: yes. Study: VKGL Data-share Consensus. Not counted in ClinVar's aggregate classification.

Genome Diagnostics Laboratory, University Medical Center Utrecht
Classification: Benign. Review status: no assertion criteria provided. Collection method: clinical testing. Allele origin: germline. Affected: yes. Study: VKGL Data-share Consensus. Not counted in ClinVar's aggregate classification.

Laboratory of Diagnostic Genome Analysis, Leiden University Medical Center (LUMC)
Classification: Benign. Review status: no assertion criteria provided. Collection method: clinical testing. Allele origin: germline. Affected: yes. Study: VKGL Data-share Consensus. Not counted in ClinVar's aggregate classification.

Mayo Clinic Laboratories, Mayo Clinic
Classification: Likely benign. Review status: no assertion criteria provided. Collection method: research. Allele origin: unknown. Observed: 1 variant allele. Not counted in ClinVar's aggregate classification.

Color Diagnostics, LLC DBA Color Health
Classification: Likely benign for Hereditary cancer-predisposing syndrome. Last evaluated: 2017-07-13. Review status: flagged submission. Criteria: ACMG Guidelines, 2015. Collection method: clinical testing. Allele origin: germline. Not counted in ClinVar's aggregate classification.
ClinVar note: Reason: This record appears to be redundant with a more recent record from the same submitter.
ClinVar note: Notes: SCV000686966 appears to be redundant with SCV000686968.

Literature cited by the submitters: PubMed 22447671 (cited by ClinGen InSiGHT Hereditary Colorectal Cancer/Polyposis Variant Curation Expert Panel).

NM_000038.6(APC):c.423-4del

Gene: APC (APC regulator of Wnt signaling pathway; plus strand). Cytogenetic location: 5q22.2.
Variant type: Deletion.
Coding change: c.423-4del on transcript NM_000038.6 (MANE Select); 4 bases into the intron before coding-DNA position 423, one base deleted (A; older notation c.423-4delA).
Molecular consequence: intron variant.
Genome position (GRCh38, 1-based): chr5:112,775,625, A deleted; the last of 13 consecutive A bases (chr5:112,775,613-112,775,625); deleting any one gives the same sequence. VCF-style (leftmost placement, unchanged base first): chr5-112775612-TA-T. GRCh37 (hg19) VCF-style: chr5-112111309-TA-T.
Other names: c.423-4del (NM_001354895.2, NM_001127510.3, NM_001354896.2 and 2 more transcripts); c.453-4del (NM_001354897.2, NM_001354902.2, NM_001127511.3); c.348-4del (NM_001354898.2, NM_001354904.2); c.-613-4del (NM_001354906.2); c.246-4del (NM_001354900.2, NM_001354901.2, NM_001354905.2); c.423-4delA (NM_001127510.2, NM_000038.5, NM_000038.6); c.423-15delA (NM_000038.5).
Identifiers: ClinVar variation 181781 (VCV000181781.73), dbSNP rs730881230, ClinGen allele CA009327.
Genomic context (GRCh38, chr5:112,775,612, plus strand): 5'-ACTGATGTAAGTATTGCTCTTCTGCAGTCTTTATTAGCATTGTTTAAACGTACCTTTTTT[TA>T]AAAAAAAAAAAATAGGTCATTGCTTCTTGCTGATCTTGACAAAGAAGAAAAGGAAAAAGA-3'